The following is an entry in ClinVar:

NM_006231.4(POLE):c.4551T>C (p.Thr1517=)

Gene: POLE (DNA polymerase epsilon, catalytic subunit; minus strand). Cytogenetic location: 12q24.33.
Variant type: single nucleotide variant.
Coding change: c.4551T>C on transcript NM_006231.4 (MANE Select); coding-DNA position 4551, T replaced by C.
Protein change: p.Thr1517=; no amino-acid change (threonine 1517 retained).
Molecular consequence: synonymous variant.
Genome position (GRCh38, 1-based): chr12:132,643,224, A>G on the plus strand (T>C on the coding strand, the complement: POLE is on the minus strand). VCF-style: chr12-132643224-A-G. GRCh37 (hg19) VCF-style: chr12-133219810-A-G.
Identifiers: ClinVar variation 3638777 (VCV003638777.2).

ClinVar aggregate classification (germline): Uncertain significance (1 of 4 stars; one submission).

Submission:

Labcorp Genetics (formerly Invitae), Labcorp
Classification: Uncertain significance. Last evaluated: 2024-02-04. Review status: criteria provided, single submitter. Criteria: Invitae Variant Classification Sherloc (09022015). Collection method: clinical testing. Allele origin: germline.
Comment: This sequence change affects codon 1517 of the POLE mRNA. It is a 'silent' change, meaning that it does not change the encoded amino acid sequence of the POLE protein. It affects a nucleotide within the consensus splice site. This variant is not present in population databases (gnomAD no frequency). This variant has not been reported in the literature in individuals affected with POLE-related conditions. Algorithms developed to predict the effect of sequence changes on RNA splicing suggest that this variant is not likely to affect RNA splicing. In summary, the available evidence is currently insufficient to determine the role of this variant in disease. Therefore, it has been classified as a Variant of Uncertain Significance.